The following is an entry in ClinVar:

NM_152296.5(ATP1A3):c.968C>T (p.Pro323Leu)

Gene: ATP1A3 (ATPase Na+/K+ transporting subunit alpha 3; minus strand). Cytogenetic location: 19q13.2.
Variant type: single nucleotide variant.
Coding change: c.968C>T on transcript NM_152296.5 (MANE Select); coding-DNA position 968, C replaced by T.
Protein change: p.Pro323Leu; replaces proline 323 with leucine.
Molecular consequence: missense variant.
Genome position (GRCh38, 1-based): chr19:41,984,943, G>A on the plus strand (C>T on the coding strand, the complement: ATP1A3 is on the minus strand). VCF-style: chr19-41984943-G-A. GRCh37 (hg19) VCF-style: chr19-42489095-G-A.
Other names: c.1001C>T, p.Pro334Leu (NM_001256213.2); c.1007C>T, p.Pro336Leu (NM_001256214.2); short protein forms P323L, P336L, P334L.
Identifiers: ClinVar variation 427061 (VCV000427061.10), dbSNP rs1085307933, ClinGen allele CA406052166.

ClinVar aggregate classification (germline): Conflicting classifications of pathogenicity. Review status: criteria provided, conflicting classifications (1 of 4 stars). 2 submissions from 2 submitters: Pathogenic (1); Uncertain significance (1). Last evaluated 2023-01-06.

Conditions:
Dystonia 12 (DYT12). Also called: DYT-ATP1A3; Rapid-Onset Dystonia-Parkinsonism (RDP). Identifiers: Orphanet 71517, MedGen C1868681, MONDO:0007496, OMIM 128235.

Submissions (2):

GeneDx
Classification: Pathogenic. Last evaluated: 2023-01-06. Review status: criteria provided, single submitter. Criteria: GeneDx Variant Classification Process June 2021. Collection method: clinical testing. Allele origin: germline. Affected: yes.
Comment: Not observed at significant frequency in large population cohorts (gnomAD); In silico analysis supports that this missense variant has a deleterious effect on protein structure/function; Has not been previously published as pathogenic or benign to our knowledge

Labcorp Genetics (formerly Invitae), Labcorp
Classification: Uncertain significance for Dystonia 12. Last evaluated: 2018-06-24. Review status: criteria provided, single submitter. Criteria: Invitae Variant Classification Sherloc (09022015). Collection method: clinical testing. Allele origin: germline.
Comment: In summary, the available evidence is currently insufficient to determine the role of this variant in disease. Therefore, it has been classified as a Variant of Uncertain Significance. Algorithms developed to predict the effect of missense changes on protein structure and function are either unavailable or do not agree on the potential impact of this missense change (SIFT: "Deleterious"; PolyPhen-2: "Probably Damaging"; Align-GVGD: "Class C0"). This variant has not been reported in the literature in individuals with ATP1A3-related disease. ClinVar contains an entry for this variant (Variation ID: 427061). This variant is not present in population databases (ExAC no frequency). This sequence change replaces proline with leucine at codon 323 of the ATP1A3 protein (p.Pro323Leu). The proline residue is highly conserved and there is a moderate physicochemical difference between proline and leucine.